The following continues an entry in ClinVar:

NM_007294.4(BRCA1):c.3708T>G (p.Asn1236Lys)

ClinVar aggregate classification (germline): Benign. Benign (1).

Submissions 19 to 38 of 38:

Clinical Genetics DNA and cytogenetics Diagnostics Lab, Erasmus MC, Erasmus Medical Center
Classification: Likely benign for Breast-ovarian cancer, familial, susceptibility to, 1. Last evaluated: 2017-05-31. Review status: criteria provided, single submitter. Criteria: ACGS Guidelines, 2013. Collection method: clinical testing. Allele origin: germline. Affected: yes. Study: VKGL Data-share Consensus. Not counted in ClinVar's aggregate classification.

Genetic Services Laboratory, University of Chicago
Classification: Likely benign. Last evaluated: 2017-05-03. Review status: criteria provided, single submitter. Criteria: ACMG Guidelines, 2015. Collection method: clinical testing. Allele origin: germline. Affected: no. Not counted in ClinVar's aggregate classification.

Department of Pathology and Molecular Medicine, Queen's University
Classification: Uncertain significance. Last evaluated: 2017-04-20. Review status: criteria provided, single submitter. Criteria: ACMG Guidelines, 2015. Collection method: clinical testing. Allele origin: germline. Study: The Canadian Open Genetics Repository (COGR). Not counted in ClinVar's aggregate classification.

Laboratory for Molecular Medicine, Mass General Brigham Personalized Medicine
Classification: Uncertain significance. Last evaluated: 2016-06-23. Review status: criteria provided, single submitter. Criteria: LMM Criteria. Collection method: clinical testing. Allele origin: germline. Not counted in ClinVar's aggregate classification.
Comment: Variant identified in a genome or exome case(s) and assessed due to predicted null impact of the variant or pathogenic assertions in the literature or databases. Disclaimer: This variant has not undergone full assessment. The following are preliminary notes: ClinVar: 4 B/LB, 3 VUS

Vantari Genetics
Classification: Benign for Hereditary cancer-predisposing syndrome. Last evaluated: 2015-11-27. Review status: criteria provided, single submitter. Criteria: ACMG Guidelines, 2015. Collection method: clinical testing. Allele origin: germline. Not counted in ClinVar's aggregate classification.

Women's Health and Genetics/Laboratory Corporation of America, LabCorp
Classification: Benign for Hereditary breast ovarian cancer syndrome. Last evaluated: 2015-11-23. Review status: criteria provided, single submitter. Criteria: LabCorp Variant Classification Summary - May 2015. Collection method: clinical testing. Allele origin: germline. Not counted in ClinVar's aggregate classification.
Comment: Variant Summary: The BRCA1 c.3708T>G variant affects a non-conserved nucleotide, resulting in amino acid change from Asn to Lys. 3/4 in-silico tools predict this variant to be benign. The composite observed allele frequency in controls, including the large and diverse ExAC cohort, is 29/121594 (1/4193); and the observed allele frequency in the Latino sub-population from ExAC population is 11/11570 (1/1052). These frequencies are not significantly different than the maximal expected allele frequency for a pathogenic BRCA1 variant (1/1000). However, the low frequency in control populations should still suggest that this variant is a rare polymorphism unless proven other. The variant has been cited to co-occur with various pathogenic BRCA1 and BRCA2 variants, including BRCA1 c.6944_6947delTAAA (p.Ile2315_Lys2316?fs), BRCA1 c.2722G>T (p.Glu908Ter), and BRCA2 c.8537_8538delAG (p.Glu2846Glyfs) from BIC and BRCA2 c.1310_1313delAAGA (p.Lys437IlefsX22) from UMD. These co-occurrence findings are a clear evidence that this variant is benign. Although the variant has been reported in multiple patients in the literature, the publications did not comprehensively rule out the presence of large rearrangements. LOH studies demonstrated the retention of wild type allele and the loss of the allele harboring this variant in tumors from 2 patients, further supporting a benign outcome (Osorio et al, 2002). In addition, a cell growth assay to measure this variant's ability to functionally complement BRCA1-deficient mouse embryonic stem cells showed the variant behaves like wildtype (Bouwman et al, 2013). Although clinical laboratories and databases are mixed in their classifications, the majority classify the variant as benign/likely benign/neutral. Taken together, this variant has been classified as benign.

Color Diagnostics, LLC DBA Color Health
Classification: Benign for Hereditary cancer-predisposing syndrome. Last evaluated: 2015-08-13. Review status: criteria provided, single submitter. Criteria: ACMG Guidelines, 2015. Collection method: clinical testing. Allele origin: germline. Not counted in ClinVar's aggregate classification.

Molecular Genetics Laboratory, University of Michigan
Classification: Likely benign for Breast-ovarian cancer, familial, susceptibility to, 1. Last evaluated: 2015-04-22. Review status: criteria provided, single submitter. Criteria: ACMG Guidelines, 2015. Collection method: clinical testing. Allele origin: germline. Affected: yes. Not counted in ClinVar's aggregate classification.

Ambry Genetics
Classification: Benign for Hereditary cancer-predisposing syndrome. Last evaluated: 2014-11-18. Review status: criteria provided, single submitter. Criteria: Ambry Variant Classification Scheme 2023. Collection method: clinical testing. Allele origin: germline. Not counted in ClinVar's aggregate classification.

CSER _CC_NCGL, University of Washington
Classification: Likely benign for Breast and/or ovarian cancer. Last evaluated: 2014-06-01. Review status: criteria provided, single submitter. Criteria: Amendola et al. (Genome Res. 2015). Collection method: research. Allele origin: germline. Inheritance: Autosomal dominant inheritance. Study: ESP 6500 variant annotation. Not counted in ClinVar's aggregate classification.
Comment: Variants classified for the Actionable exomic incidental findings in 6503 participants: challenges of variant classification manuscript

BRCAlab, Lund University
Classification: Benign for Breast-ovarian cancer, familial, susceptibility to, 1. Last evaluated: 2020-03-02. Review status: no assertion criteria provided. Collection method: clinical testing. Allele origin: germline. Affected: yes. Not counted in ClinVar's aggregate classification.

Department of Medical Genetics, University Hospital of North Norway
Classification: Uncertain significance for Breast-ovarian cancer, familial, susceptibility to, 1. Last evaluated: 2016-05-01. Review status: no assertion criteria provided. Collection method: clinical testing. Allele origin: germline. Affected: yes. Observed: 1 variant allele. Not counted in ClinVar's aggregate classification.

Research Molecular Genetics Laboratory, Women's College Hospital, University of Toronto
No classification provided. Last evaluated: 2014-01-31. Review status: no classification provided. Collection method: research. Allele origin: germline. Affected: yes. Study: The Canadian Open Genetics Repository (COGR). Not counted in ClinVar's aggregate classification.

ITMI
No classification provided. Condition: AllHighlyPenetrant. Last evaluated: 2013-09-19. Review status: no classification provided. Collection method: reference population. Allele origin: germline. Not counted in ClinVar's aggregate classification.
Comment: Please see associated publication for description of ethnicities

Sharing Clinical Reports Project (SCRP)
Classification: Benign for Breast-ovarian cancer, familial 1. Last evaluated: 2012-05-01. Review status: no assertion criteria provided. Collection method: clinical testing. Allele origin: germline. Not counted in ClinVar's aggregate classification.

Breast Cancer Information Core (BIC) (BRCA1)
Classification: Uncertain significance for Breast-ovarian cancer, familial 1. Last evaluated: 2002-05-29. Review status: no assertion criteria provided. Collection method: clinical testing. Allele origin: germline. Affected: yes. Observed: 37 variant alleles. Not counted in ClinVar's aggregate classification.

Clinical Genetics Laboratory, Department of Pathology, Netherlands Cancer Institute
Classification: Likely benign. Review status: no assertion criteria provided. Collection method: clinical testing. Allele origin: germline. Affected: yes. Study: VKGL Data-share Consensus. Not counted in ClinVar's aggregate classification.

Department of Pathology and Laboratory Medicine, Sinai Health System
Classification: Benign for Malignant tumor of breast. Review status: no assertion criteria provided. Collection method: clinical testing. Allele origin: unknown. Affected: yes. Study: The Canadian Open Genetics Repository (COGR). Not counted in ClinVar's aggregate classification.
Comment: The BRCA1 p.Asn1236Lys variant has been previously reported in the literature in 11 of 5896 proband chromosomes with hereditary breast and ovarian cancer and was identified in 3 of 1510 control chromosomes included in these studies (Borg 2010, Diez 2003, Lara 2012, Osorio 2007, Simard 2007, Spurdle 2008, Weber 2006). The variant was also identified in dbSNP (ID: rs28897687), the GeneInsight COGR database (classified as with unknown significance by four clinical labs, and as likely benign by one clinical lab), ARUP Laboratories BRCA database (classified with uncertain significance), BIC database (35x with uncertain significance), LOVD, the ClinVar database (classified as having â€šÃ„Ãºuncertain significanceâ€šÃ„Ã¹ by three submitters; as â€šÃ„Ãºlikely benignâ€šÃ„Ã¹ by one submitter; and as â€šÃ„Ãºbenignâ€šÃ„Ã¹ by three submitters). The variant was also in 39 samples submitted to UMD, where it was classified as â€šÃ„Ãºneutralâ€šÃ„Ã¹. One of these samples had a co-occurring pathogenic BRCA2 variant (c.1310_1313delAAGA, p.Lys437IlefsX22), increasing the likelihood that the p.Asn1236Lys variant may not have clinical significance. In addition, the variant was identified at polymorphic frequencies in three HapMap populations: Han Chinese in Beijing (freq: 0.026), Japanese in Tokyo (freq: 0.012), and Toscans in Italy (freq: 0.011). The variant is not conserved in all mammals, and the variant amino acid Lys is present in purple sea urchin, increasing the likelihood that this amino acid position may not be functionally important. Computational analyses (PolyPhen-2, SIFT, AlignGVGD, BLOSUM, MutationTaster) do not suggest a high likelihood of impact to the protein. A study using a multifactorial-likelihood ratio model (co-occurrence, pathology and conservation) yielded inconclusive results for the classification of this variant (Spurdle 2008). One functional study found that the variant did not affect BRCA1 interstrand crosslink repair (Bouwman 2013), and another study using a minigene assay found that the variant did not affect normal splicing of the BRCA1 gene (Anczukâˆšâ‰¥w 2008 in Walker 2013). In addition, loss of heterozygosity analysis of tumours in two patients showed retention of the wild-type allele and loss of the allele in which the variant was located, confirming that the variant was not deleterious (Osorio 2002). In summary, based on the above information, this variant meets our laboratory's criteria to be classified as benign.

Diagnostic Laboratory, Department of Genetics, University Medical Center Groningen
Classification: Likely benign for Breast-ovarian cancer, familial, susceptibility to, 1. Review status: no assertion criteria provided. Collection method: clinical testing. Allele origin: germline. Affected: yes. Study: VKGL Data-share Consensus. Not counted in ClinVar's aggregate classification.

Joint Genome Diagnostic Labs from Nijmegen and Maastricht, Radboudumc and MUMC+
Classification: Likely benign. Review status: no assertion criteria provided. Collection method: clinical testing. Allele origin: germline. Affected: yes. Study: VKGL Data-share Consensus. Not counted in ClinVar's aggregate classification.

Literature cited by the submitters: PubMed 31131967 (cited by Evidence-based Network for the Interpretation of Germline Mutant Alleles (ENIGMA)); PubMed 36329109 (cited by Genetics Program, Instituto Nacional de Cancer); PubMed 16267036 (cited by Women's Health and Genetics/Laboratory Corporation of America, LabCorp); PubMed 21965345 (cited by Women's Health and Genetics/Laboratory Corporation of America, LabCorp); PubMed 20104584 (cited by Women's Health and Genetics/Laboratory Corporation of America, LabCorp); PubMed 21520273 (cited by Women's Health and Genetics/Laboratory Corporation of America, LabCorp); PubMed 23867111 (cited by Women's Health and Genetics/Laboratory Corporation of America, LabCorp); PubMed 21702907 (cited by Women's Health and Genetics/Laboratory Corporation of America, LabCorp); PubMed 18375895 (cited by Women's Health and Genetics/Laboratory Corporation of America, LabCorp); PubMed 23096355 (cited by Women's Health and Genetics/Laboratory Corporation of America, LabCorp); PubMed 12955716 (cited by Women's Health and Genetics/Laboratory Corporation of America, LabCorp); PubMed 11149413 (cited by Women's Health and Genetics/Laboratory Corporation of America, LabCorp); PubMed 10528853 (cited by Women's Health and Genetics/Laboratory Corporation of America, LabCorp); PubMed 16685647 (cited by Women's Health and Genetics/Laboratory Corporation of America, LabCorp); PubMed 27495310 (cited by Department of Medical Genetics, University Hospital of North Norway); PubMed 24728327 (cited by ITMI); Detection of Asn1236Lys BRCA1 mutation in a spanish family, in press. (cited by Breast Cancer Information Core (BIC) (BRCA1)).